The following is an entry in ClinVar:

ClinVar aggregate classification (germline): Likely benign (1 of 4 stars; one submission).

Allele frequency attached by ClinVar (database versions not stated): gnomAD exomes 0.00001; gnomAD 0.00003.
gnomAD v4.1: 4 of 1,608,742 alleles (0.00025%); highest among the groups gnomAD compares: Non-Finnish European, 0.00025%; no homozygotes.

Submission:

GeneDx
Classification: Likely benign. Last evaluated: 2016-09-09. Review status: criteria provided, single submitter. Criteria: GeneDx Variant Classification (06012015). Collection method: clinical testing. Allele origin: germline. Affected: yes.
Comment: This variant is considered likely benign or benign based on one or more of the following criteria: it is a conservative change, it occurs at a poorly conserved position in the protein, it is predicted to be benign by multiple in silico algorithms, and/or has population frequency not consistent with disease.

NM_002887.4(RARS1):c.1428G>A (p.Lys476=)

Gene: RARS1 (arginyl-tRNA synthetase 1; plus strand). Cytogenetic location: 5q34.
Variant type: single nucleotide variant.
Coding change: c.1428G>A on transcript NM_002887.4 (MANE Select); coding-DNA position 1428, G replaced by A.
Protein change: p.Lys476=; no amino-acid change (lysine 476 retained).
Molecular consequence: synonymous variant.
Genome position (GRCh38, 1-based): chr5:168,510,662, G>A. VCF-style: chr5-168510662-G-A. GRCh37 (hg19) VCF-style: chr5-167937667-G-A.
Identifiers: ClinVar variation 388897 (VCV000388897.1), dbSNP rs1057523265, ClinGen allele CA16604922.